The following is an entry in ClinVar:

ClinVar aggregate classification (germline): Uncertain significance. Review status: criteria provided, multiple submitters, no conflicts (2 of 4 stars). 2 submissions from 2 submitters: Uncertain significance (2). Last evaluated 2024-10-21.

Conditions:
Inborn genetic diseases. Identifiers: MedGen C0950123, MeSH D030342.
Hereditary sensory and autonomic neuropathy type 7. Also called: Neuropathy, hereditary sensory and autonomic, type VII; HSAN VII. Identifiers: Orphanet 391397, MedGen C3809882, MONDO:0014244, OMIM 615548.
Familial episodic pain syndrome with predominantly lower limb involvement. Also called: Episodic pain syndrome, familial, 3. Identifiers: Orphanet 391384, Orphanet 391392, MedGen C3809899, MONDO:0014247, OMIM 615552.

Allele frequency attached by ClinVar (database versions not stated): ExAC 0.00001; gnomAD exomes 0.00001; gnomAD 0.00003; TOPMed 0.00003; ESP Exome Variant Server 0.00008.

Submissions (2):

Labcorp Genetics (formerly Invitae), Labcorp
Classification: Uncertain significance for Familial episodic pain syndrome with predominantly lower limb involvement; Hereditary sensory and autonomic neuropathy type 7. Last evaluated: 2024-10-21. Review status: criteria provided, single submitter. Criteria: Invitae Variant Classification Sherloc (09022015). Collection method: clinical testing. Allele origin: germline.
Comment: This sequence change replaces isoleucine, which is neutral and non-polar, with threonine, which is neutral and polar, at codon 1286 of the SCN11A protein (p.Ile1286Thr). This variant is present in population databases (rs368772706, gnomAD 0.007%). This variant has not been reported in the literature in individuals affected with SCN11A-related conditions. ClinVar contains an entry for this variant (Variation ID: 2042768). Invitae Evidence Modeling of protein sequence and biophysical properties (such as structural, functional, and spatial information, amino acid conservation, physicochemical variation, residue mobility, and thermodynamic stability) indicates that this missense variant is not expected to disrupt SCN11A protein function with a negative predictive value of 80%. In summary, the available evidence is currently insufficient to determine the role of this variant in disease. Therefore, it has been classified as a Variant of Uncertain Significance.

Ambry Genetics
Classification: Uncertain significance for Inborn genetic diseases. Last evaluated: 2024-10-06. Review status: criteria provided, single submitter. Criteria: Ambry Variant Classification Scheme 2023. Collection method: clinical testing. Allele origin: germline.

NM_001349253.2(SCN11A):c.3857T>C (p.Ile1286Thr)

Gene: SCN11A (sodium voltage-gated channel alpha subunit 11; minus strand). Cytogenetic location: 3p22.2.
Variant type: single nucleotide variant.
Coding change: c.3857T>C on transcript NM_001349253.2 (MANE Select); coding-DNA position 3857, T replaced by C.
Protein change: p.Ile1286Thr; replaces isoleucine 1286 with threonine.
Molecular consequence: missense variant.
Genome position (GRCh38, 1-based): chr3:38,867,415, A>G on the plus strand (T>C on the coding strand, the complement: SCN11A is on the minus strand). VCF-style: chr3-38867415-A-G. GRCh37 (hg19) VCF-style: chr3-38908906-A-G.
Other names: c.3857T>C, p.Ile1286Thr (NM_014139.3); c.3857T>C (NM_014139.2); short protein forms I1286T.
Identifiers: ClinVar variation 2042768 (VCV002042768.5), dbSNP rs368772706, ClinGen allele CA2321671.